The following is an entry in ClinVar:

ClinVar aggregate classification (germline): Uncertain significance. Review status: criteria provided, single submitter (1 of 4 stars). 2 submissions from 2 submitters: Uncertain significance (1). 1 of the submissions does not count toward it. Last evaluated 2020-12-09.

Conditions:
TNNT2-related disorder. Also called: TNNT2-related condition.

Submissions (2):

Laboratory for Molecular Medicine, Mass General Brigham Personalized Medicine
Classification: Uncertain significance. Last evaluated: 2020-12-09. Review status: criteria provided, single submitter. Criteria: ACMG Guidelines, 2015. Collection method: clinical testing. Allele origin: germline.
Comment: The p.Ser275Tyr variant was absent from large population studies. Computational prediction tools and conservation analysis suggest that this variant may impact the protein, though this information is not predictive enough to determine pathogenicity. In summary, while there is some suspicion for a pathogenic role, the clinical significance of the p.Ser275Tyr variant is uncertain. ACMG/AMP Criteria applied: PM2, PP3.

PreventionGenetics, part of Exact Sciences
Classification: Uncertain significance for TNNT2-related condition. Last evaluated: 2024-02-02. Review status: no assertion criteria provided. Collection method: clinical testing. Allele origin: germline. Not counted in ClinVar's aggregate classification.
Comment: The TNNT2 c.824C>A variant is predicted to result in the amino acid substitution p.Ser275Tyr. To our knowledge, this variant has not been reported in the literature or in a large population database, indicating this variant is rare. At this time, the clinical significance of this variant is uncertain due to the absence of conclusive functional and genetic evidence.

NM_001276345.2(TNNT2):c.854C>A (p.Ser285Tyr)

Gene: TNNT2 (troponin T2, cardiac type; minus strand). Cytogenetic location: 1q32.1.
Variant type: single nucleotide variant.
Coding change: c.854C>A on transcript NM_001276345.2 (MANE Select); coding-DNA position 854, C replaced by A.
Protein change: p.Ser285Tyr; replaces serine 285 with tyrosine.
Molecular consequence: missense variant.
Genome position (GRCh38, 1-based): chr1:201,359,253, G>T on the plus strand (C>A on the coding strand, the complement: TNNT2 is on the minus strand). VCF-style: chr1-201359253-G-T. GRCh37 (hg19) VCF-style: chr1-201328381-G-T.
Other names: c.845C>A, p.Ser282Tyr (NM_000364.4); c.824C>A, p.Ser275Tyr (NM_001001430.3, NM_001276347.2); c.815C>A, p.Ser272Tyr (NM_001001431.3); c.806C>A, p.Ser269Tyr (NM_001001432.3); c.725C>A, p.Ser242Tyr (NM_001276346.2); c.824C>A (NM_001001430.2); short protein forms S275Y, S282Y, S242Y, S272Y, S285Y, S269Y.
Identifiers: ClinVar variation 229339 (VCV000229339.8), dbSNP rs876658029, ClinGen allele CA10576370.